The following is an entry in ClinVar:

NM_032634.4(PIGO):c.672G>T (p.Trp224Cys)

Gene: PIGO (phosphatidylinositol glycan anchor biosynthesis class O; minus strand). Cytogenetic location: 9p13.3.
Variant type: single nucleotide variant.
Coding change: c.672G>T on transcript NM_032634.4 (MANE Select); coding-DNA position 672, G replaced by T.
Protein change: p.Trp224Cys; replaces tryptophan 224 with cysteine.
Molecular consequence: missense variant.
Genome position (GRCh38, 1-based): chr9:35,094,008, C>A on the plus strand (G>T on the coding strand, the complement: PIGO is on the minus strand). VCF-style: chr9-35094008-C-A. GRCh37 (hg19) VCF-style: chr9-35094005-C-A.
Other names: c.672G>T, p.Trp224Cys (NM_001201484.2, NM_152850.4); short protein forms W224C.
Identifiers: ClinVar variation 1486286 (VCV001486286.11), dbSNP rs760792660, ClinGen allele CA5040867.
Genomic context (GRCh38, chr9:35,094,008, plus strand): 5'-GTGAGGGCCATGCTTGTGGCCACAGTGGTCCACACCCAGGAAGTGAGCAATCAGCACGTC[C>A]CATTCACCACTGTCCACTGTGAAGGGGAGAACACTGAGCACAGAAGACTAAGACCCACTC-3'
Protein context (NP_116023.2, residues 214-234): HLYPTMDSGE[Trp224Cys]DVLIAHFLGV

ClinVar aggregate classification (germline): Uncertain significance. Review status: criteria provided, multiple submitters, no conflicts (2 of 4 stars). 3 submissions from 3 submitters: Uncertain significance (3). Last evaluated 2026-03-01.

Conditions:
Hyperphosphatasia with impaired intellectual development syndrome 2. Also called: Hyperphosphatasia with intellectual disability syndrome 2; GLYCOSYLPHOSPHATIDYLINOSITOL BIOSYNTHESIS DEFECT 6. Identifiers: Orphanet 247262, MedGen C3553637, MONDO:0013882, OMIM 614749.

Allele frequency attached by ClinVar (database versions not stated): ExAC 0.00002.
gnomAD v4.1: 2 of 1,614,014 alleles (0.00012%); highest among the groups gnomAD compares: Non-Finnish European, 0.00017%; no homozygotes.

Submissions (3):

CeGaT Center for Human Genetics Tuebingen
Classification: Uncertain significance. Last evaluated: 2026-03-01. Review status: criteria provided, single submitter. Criteria: CeGaT Center For Human Genetics Tuebingen Variant Classification Criteria Version 2. Collection method: clinical testing. Allele origin: germline. Affected: yes. Observed: 1 variant allele.

3billion
Classification: Uncertain significance for Hyperphosphatasia with impaired intellectual development syndrome 2. Last evaluated: 2024-07-02. Review status: criteria provided, single submitter. Criteria: ACMG Guidelines, 2015. Collection method: clinical testing. Allele origin: germline. Affected: yes.
Comment: The variant is observed at an extremely low frequency in the gnomAD v4.0.0 dataset (total allele frequency: <0.001%). Predicted Consequence/Location: The majority of the known disease-causing variants of this gene are variants expected to result in premature termination of the protein. In silico tool predictions suggest damaging effect of the variant on gene or gene product [REVEL: 0.78 (>=0.6, sensitivity 0.68 and specificity 0.92); 3Cnet: 0.83 (>=0.6, sensitivity 0.72 and precision 0.9)]. The variant has been reported as of uncertain significance (ClinVar ID: VCV001486286). Therefore, this variant is classified as VUS according to the recommendation of ACMG/AMP guideline.

Labcorp Genetics (formerly Invitae), Labcorp
Classification: Uncertain significance for Hyperphosphatasia with impaired intellectual development syndrome 2. Last evaluated: 2022-06-05. Review status: criteria provided, single submitter. Criteria: Invitae Variant Classification Sherloc (09022015). Collection method: clinical testing. Allele origin: germline.
Comment: In summary, the available evidence is currently insufficient to determine the role of this variant in disease. Therefore, it has been classified as a Variant of Uncertain Significance. Algorithms developed to predict the effect of sequence changes on RNA splicing suggest that this variant may create or strengthen a splice site. Algorithms developed to predict the effect of missense changes on protein structure and function are either unavailable or do not agree on the potential impact of this missense change (SIFT: "Deleterious"; PolyPhen-2: "Probably Damaging"; Align-GVGD: "Class C0"). ClinVar contains an entry for this variant (Variation ID: 1486286). This variant has not been reported in the literature in individuals affected with PIGO-related conditions. The frequency data for this variant in the population databases is considered unreliable, as metrics indicate poor data quality at this position in the gnomAD database. This sequence change replaces tryptophan, which is neutral and slightly polar, with cysteine, which is neutral and slightly polar, at codon 224 of the PIGO protein (p.Trp224Cys).